The following is an entry in ClinVar:

ClinVar aggregate classification (germline): Pathogenic (1 of 4 stars; one submission).

Conditions:
Early-infantile DEE. Also called: Early infantile epileptic encephalopathy; Early infantile epileptic encephalopathy with suppression bursts; Ohtahara syndrome. Identifiers: Orphanet 1934, MedGen C0393706, MONDO:0800491.

Submission:

Labcorp Genetics (formerly Invitae), Labcorp
Classification: Pathogenic for Early-infantile DEE. Last evaluated: 2023-07-14. Review status: criteria provided, single submitter. Criteria: Invitae Variant Classification Sherloc (09022015). Collection method: clinical testing. Allele origin: germline.
Comment: For these reasons, this variant has been classified as Pathogenic. This variant disrupts a region of the SCN1A protein in which other variant(s) (p.Ala1773Thr) have been determined to be pathogenic (Invitae). This suggests that this is a clinically significant region of the protein, and that variants that disrupt it are likely to be disease-causing. ClinVar contains an entry for this variant (Variation ID: 461277). This variant has not been reported in the literature in individuals affected with SCN1A-related conditions. This variant is not present in population databases (gnomAD no frequency). This sequence change creates a premature translational stop signal (p.Gly1603*) in the SCN1A gene. While this is not anticipated to result in nonsense mediated decay, it is expected to disrupt the last 407 amino acid(s) of the SCN1A protein.

NM_001165963.4(SCN1A):c.4807G>T (p.Gly1603Ter)

Genes: SCN1A (sodium voltage-gated channel alpha subunit 1; minus strand), LOC102724058 (uncharacterized LOC102724058; plus strand). Cytogenetic location: 2q24.3.
Variant type: single nucleotide variant.
Coding change: c.4807G>T on transcript NM_001165963.4 (MANE Select); coding-DNA position 4807, G replaced by T.
Protein change: p.Gly1603Ter; replaces glycine 1603 with a stop codon.
Molecular consequence: nonsense. On other transcripts: non-coding transcript variant (1).
Genome position (GRCh38, 1-based): chr2:165,994,191, C>A on the plus strand (G>T on the coding strand, the complement: SCN1A is on the minus strand). VCF-style: chr2-165994191-C-A. GRCh37 (hg19) VCF-style: chr2-166850701-C-A.
Other names: c.4723G>T, p.Gly1575Ter (NM_001165964.3, NM_001353957.2, NM_001353958.2); c.4807G>T, p.Gly1603Ter (NM_001202435.3, NM_001353948.2); c.4774G>T, p.Gly1592Ter (NM_001353949.2, NM_001353950.2, NM_001353951.2 and 2 more transcripts); c.4771G>T, p.Gly1591Ter (NM_001353954.2, NM_001353955.2); c.4720G>T, p.Gly1574Ter (NM_001353960.2); c.2365G>T, p.Gly789Ter (NM_001353961.2); short protein forms G1592*, G1603*, G1574*, G1575*, G1591*, G789*.
Identifiers: ClinVar variation 461277 (VCV000461277.9), dbSNP rs761333438, ClinGen allele CA349071463.